The following is an entry in ClinVar:

ClinVar aggregate classification (germline): Uncertain significance (1 of 4 stars; one submission).

Conditions:
Gastrointestinal stromal tumor. Also called: Gastrointestinal stromal tumor, somatic; Gastrointestinal stroma tumor. Identifiers: Orphanet 44890, MedGen C0238198, MeSH D046152, MONDO:0011719, OMIM 606764, HP:0100723.

Submission:

Labcorp Genetics (formerly Invitae), Labcorp
Classification: Uncertain significance for Gastrointestinal stromal tumor. Last evaluated: 2023-02-16. Review status: criteria provided, single submitter. Criteria: Invitae Variant Classification Sherloc (09022015). Collection method: clinical testing. Allele origin: germline.
Comment: In summary, the available evidence is currently insufficient to determine the role of this variant in disease. Therefore, it has been classified as a Variant of Uncertain Significance. Algorithms developed to predict the effect of missense changes on protein structure and function output the following: SIFT: "Not Available"; PolyPhen-2: "Benign"; Align-GVGD: "Not Available". The lysine amino acid residue is found in multiple mammalian species, which suggests that this missense change does not adversely affect protein function. This variant has not been reported in the literature in individuals affected with PDGFRA-related conditions. This variant is not present in population databases (gnomAD no frequency). This sequence change replaces glutamine, which is neutral and polar, with lysine, which is basic and polar, at codon 106 of the PDGFRA protein (p.Gln106Lys).

NM_006206.6(PDGFRA):c.316C>A (p.Gln106Lys)

Gene: PDGFRA (platelet derived growth factor receptor alpha; plus strand). Cytogenetic location: 4q12.
Variant type: single nucleotide variant.
Coding change: c.316C>A on transcript NM_006206.6 (MANE Select); coding-DNA position 316, C replaced by A.
Protein change: p.Gln106Lys; replaces glutamine 106 with lysine.
Molecular consequence: missense variant.
Genome position (GRCh38, 1-based): chr4:54,261,361, C>A. VCF-style: chr4-54261361-C-A. GRCh37 (hg19) VCF-style: chr4-55127528-C-A.
Other names: c.316C>A, p.Gln106Lys (NM_001347827.2, NM_001347829.2); c.391C>A, p.Gln131Lys (NM_001347828.2); c.355C>A, p.Gln119Lys (NM_001347830.2); short protein forms Q119K, Q106K, Q131K.
Identifiers: ClinVar variation 2836881 (VCV002836881.3), dbSNP rs2475423537, ClinGen allele CA356888919.